The following is an entry in ClinVar:

NM_052867.4(NALCN):c.4057G>A (p.Gly1353Arg)

Gene: NALCN (sodium leak channel, non-selective; minus strand). Cytogenetic location: 13q32.3.
Variant type: single nucleotide variant.
Coding change: c.4057G>A on transcript NM_052867.4 (MANE Select); coding-DNA position 4057, G replaced by A.
Protein change: p.Gly1353Arg; replaces glycine 1353 with arginine.
Molecular consequence: missense variant.
Genome position (GRCh38, 1-based): chr13:101,074,560, C>T on the plus strand (G>A on the coding strand, the complement: NALCN is on the minus strand). VCF-style: chr13-101074560-C-T. GRCh37 (hg19) VCF-style: chr13-101726911-C-T.
Other names: c.4144G>A, p.Gly1382Arg (NM_001350748.2); c.4057G>A, p.Gly1353Arg (NM_001350749.2); c.3970G>A, p.Gly1324Arg (NM_001350750.2, NM_001350751.2); short protein forms G1324R, G1353R, G1382R.
Identifiers: ClinVar variation 2643896 (VCV002643896.24), dbSNP rs2501916503, ClinGen allele CA388649398.

ClinVar aggregate classification (germline): Uncertain significance (1 of 4 stars; one submission).

Submission:

CeGaT Center for Human Genetics Tuebingen
Classification: Uncertain significance. Last evaluated: 2022-11-01. Review status: criteria provided, single submitter. Criteria: CeGaT Center For Human Genetics Tuebingen Variant Classification Criteria Version 2. Collection method: clinical testing. Allele origin: germline. Affected: yes. Observed: 1 variant allele.
Comment: NALCN: PM2, PP2, PP3